The following is an entry in ClinVar:

ClinVar aggregate classification (germline): Uncertain significance (1 of 4 stars; one submission).

Conditions:
Perlman syndrome (PRLMNS). Identifiers: Orphanet 2849, MedGen C0796113, MONDO:0009965, OMIM 267000.

Allele frequency attached by ClinVar (database versions not stated): TOPMed below 0.00001; gnomAD exomes 0.00001.
gnomAD v4.1: 6 of 1,550,314 alleles (0.00039%); highest among the groups gnomAD compares: Non-Finnish European, 0.00052%; no homozygotes.

Submission:

Labcorp Genetics (formerly Invitae), Labcorp
Classification: Uncertain significance for Perlman syndrome. Last evaluated: 2023-10-18. Review status: criteria provided, single submitter. Criteria: Invitae Variant Classification Sherloc (09022015). Collection method: clinical testing. Allele origin: germline.
Comment: This sequence change replaces alanine, which is neutral and non-polar, with serine, which is neutral and polar, at codon 799 of the DIS3L2 protein (p.Ala799Ser). This variant is not present in population databases (gnomAD no frequency). This variant has not been reported in the literature in individuals affected with DIS3L2-related conditions. ClinVar contains an entry for this variant (Variation ID: 658129). An algorithm developed to predict the effect of missense changes on protein structure and function (PolyPhen-2) suggests that this variant is likely to be tolerated. Algorithms developed to predict the effect of sequence changes on RNA splicing suggest that this variant may create or strengthen a splice site. In summary, the available evidence is currently insufficient to determine the role of this variant in disease. Therefore, it has been classified as a Variant of Uncertain Significance.

NM_152383.5(DIS3L2):c.2395G>T (p.Ala799Ser)

Gene: DIS3L2 (DIS3 like 3'-5' exoribonuclease 2; plus strand). Cytogenetic location: 2q37.1.
Variant type: single nucleotide variant.
Coding change: c.2395G>T on transcript NM_152383.5 (MANE Select); coding-DNA position 2395, G replaced by T.
Protein change: p.Ala799Ser; replaces alanine 799 with serine.
Molecular consequence: missense variant. On other transcripts: non-coding transcript variant (2), intron variant (1).
Genome position (GRCh38, 1-based): chr2:232,335,773, G>T. VCF-style: chr2-232335773-G-T. GRCh37 (hg19) VCF-style: chr2-233200483-G-T.
Other names: c.1582-7572G>T (NM_001257281.2); short protein forms A799S.
Identifiers: ClinVar variation 658129 (VCV000658129.9), dbSNP rs1575029253, ClinGen allele CA350978139.